The following is an entry in ClinVar:

NM_000179.3(MSH6):c.3985T>C (p.Ser1329Pro)

Gene: MSH6 (mutS homolog 6; plus strand). Cytogenetic location: 2p16.3.
Variant type: single nucleotide variant.
Coding change: c.3985T>C on transcript NM_000179.3 (MANE Select); coding-DNA position 3985, T replaced by C.
Protein change: p.Ser1329Pro; replaces serine 1329 with proline.
Molecular consequence: missense variant.
Genome position (GRCh38, 1-based): chr2:47,806,635, T>C. VCF-style: chr2-47806635-T-C. GRCh37 (hg19) VCF-style: chr2-48033774-T-C.
Other names: c.3595T>C, p.Ser1199Pro (NM_001281492.2); c.3079T>C, p.Ser1027Pro (NM_001281493.2, NM_001281494.2, NM_001406811.1 and 6 more transcripts); c.4081T>C, p.Ser1361Pro (NM_001406795.1); c.3985T>C, p.Ser1329Pro (NM_001406796.1, NM_001406808.1, NM_001406809.1); c.3688T>C, p.Ser1230Pro (NM_001406797.1, NM_001406801.1, NM_001406805.1 and 10 more transcripts); c.3811T>C, p.Ser1271Pro (NM_001406798.1); c.3460T>C, p.Ser1154Pro (NM_001406799.1, NM_001406806.1, NM_001406807.1); c.*6T>C (NM_001406800.1); and 8 more; short protein forms S1027P, S1041P, S1154P, S1199P, S1230P, S1271P, S1273P, S1303P.
Identifiers: ClinVar variation 1715565 (VCV001715565.9), dbSNP rs2104567294, ClinGen allele CA346761587.

ClinVar aggregate classification (germline): Uncertain significance. Review status: criteria provided, multiple submitters, no conflicts (2 of 4 stars). 2 submissions from 2 submitters: Uncertain significance (2). Last evaluated 2025-07-17.

Conditions:
Hereditary nonpolyposis colorectal neoplasms. Identifiers: MedGen C0009405, MeSH D003123.
Hereditary cancer-predisposing syndrome. Also called: Neoplastic Syndromes, Hereditary; Tumor predisposition; Hereditary Cancer Syndrome; Hereditary neoplastic syndrome. Identifiers: Orphanet 140162, MedGen C0027672, MeSH D009386, MONDO:0015356.

Submissions (2):

Ambry Genetics
Classification: Uncertain significance for Hereditary cancer-predisposing syndrome. Last evaluated: 2025-07-17. Review status: criteria provided, single submitter. Criteria: Ambry Variant Classification Scheme 2023. Collection method: clinical testing. Allele origin: germline.
Comment: The p.S1329P variant (also known as c.3985T>C), located in coding exon 9 of the MSH6 gene, results from a T to C substitution at nucleotide position 3985. The serine at codon 1329 is replaced by proline, an amino acid with similar properties. This amino acid position is well conserved in available vertebrate species. In addition, this alteration is predicted to be deleterious by in silico analysis. Based on the available evidence, the clinical significance of this variant remains unclear.

Labcorp Genetics (formerly Invitae), Labcorp
Classification: Uncertain significance for Hereditary nonpolyposis colorectal neoplasms. Last evaluated: 2022-08-08. Review status: criteria provided, single submitter. Criteria: Invitae Variant Classification Sherloc (09022015). Collection method: clinical testing. Allele origin: germline.
Comment: In summary, the available evidence is currently insufficient to determine the role of this variant in disease. Therefore, it has been classified as a Variant of Uncertain Significance. Advanced modeling of protein sequence and biophysical properties (such as structural, functional, and spatial information, amino acid conservation, physicochemical variation, residue mobility, and thermodynamic stability) performed at Invitae indicates that this missense variant is not expected to disrupt MSH6 protein function. This variant has not been reported in the literature in individuals affected with MSH6-related conditions. This variant is not present in population databases (gnomAD no frequency). This sequence change replaces serine, which is neutral and polar, with proline, which is neutral and non-polar, at codon 1329 of the MSH6 protein (p.Ser1329Pro).